The following is an entry in ClinVar:

NM_003705.5(SLC25A12):c.697C>T (p.Arg233Cys)

Gene: SLC25A12 (solute carrier family 25 member 12; minus strand). Cytogenetic location: 2q31.1.
Variant type: single nucleotide variant.
Coding change: c.697C>T on transcript NM_003705.5 (MANE Select); coding-DNA position 697, C replaced by T.
Protein change: p.Arg233Cys; replaces arginine 233 with cysteine.
Molecular consequence: missense variant. On other transcripts: non-coding transcript variant (1).
Genome position (GRCh38, 1-based): chr2:171,834,781, G>A on the plus strand (C>T on the coding strand, the complement: SLC25A12 is on the minus strand). VCF-style: chr2-171834781-G-A. GRCh37 (hg19) VCF-style: chr2-172691291-G-A.
Other names: short protein forms R233C.
Identifiers: ClinVar variation 559287 (VCV000559287.9), dbSNP rs573694738, ClinGen allele CA1966334.

ClinVar aggregate classification (germline): Uncertain significance. Review status: criteria provided, single submitter (1 of 4 stars). 2 submissions from 2 submitters: Uncertain significance (1). 1 of the submissions does not count toward it. Last evaluated 2022-09-27.

Allele frequency attached by ClinVar (database versions not stated): gnomAD exomes 0.00002 and 0.00012; gnomAD 0.00006; TOPMed 0.00008; ExAC 0.00014; 1000 Genomes Project 30x 0.00016; 1000 Genomes Project 0.00020.
gnomAD v4.1: 37 of 1,613,774 alleles (0.0023%); highest among the groups gnomAD compares: East Asian, 0.042%; no homozygotes.

Submissions (2):

Labcorp Genetics (formerly Invitae), Labcorp
Classification: Uncertain significance. Last evaluated: 2022-09-27. Review status: criteria provided, single submitter. Criteria: Invitae Variant Classification Sherloc (09022015). Collection method: clinical testing. Allele origin: germline.
Comment: This sequence change replaces arginine, which is basic and polar, with cysteine, which is neutral and slightly polar, at codon 233 of the SLC25A12 protein (p.Arg233Cys). This variant is present in population databases (rs573694738, gnomAD 0.1%). This variant has not been reported in the literature in individuals affected with SLC25A12-related conditions. ClinVar contains an entry for this variant (Variation ID: 559287). Advanced modeling of protein sequence and biophysical properties (such as structural, functional, and spatial information, amino acid conservation, physicochemical variation, residue mobility, and thermodynamic stability) performed at Invitae indicates that this missense variant is not expected to disrupt SLC25A12 protein function. In summary, the available evidence is currently insufficient to determine the role of this variant in disease. Therefore, it has been classified as a Variant of Uncertain Significance.

Mayo Clinic Laboratories, Mayo Clinic
Classification: Uncertain significance. Last evaluated: 2016-03-08. Review status: no assertion criteria provided. Collection method: clinical testing. Allele origin: unknown. Not counted in ClinVar's aggregate classification.